The following is an entry in ClinVar:

NM_002439.5(MSH3):c.1426del (p.Tyr476fs)

Gene: MSH3 (mutS homolog 3; plus strand). Cytogenetic location: 5q14.1.
Variant type: Deletion.
Coding change: c.1426del on transcript NM_002439.5 (MANE Select); coding-DNA position 1426, one base deleted (T; older notation c.1426delT).
Protein change: p.Tyr476fs; shifts the reading frame from tyrosine 476.
Molecular consequence: frameshift variant.
Genome position (GRCh38, 1-based): chr5:80,725,538, T deleted; the last of 4 consecutive T bases (chr5:80,725,535-80,725,538); deleting any one gives the same sequence. VCF-style (leftmost placement, unchanged base first): chr5-80725534-GT-G. GRCh37 (hg19) VCF-style: chr5-80021353-GT-G.
Other names: short protein forms Y476fs.
Identifiers: ClinVar variation 3722596 (VCV003722596.2).

ClinVar aggregate classification (germline): Pathogenic (1 of 4 stars; one submission).

Submission:

Labcorp Genetics (formerly Invitae), Labcorp
Classification: Pathogenic. Last evaluated: 2024-10-10. Review status: criteria provided, single submitter. Criteria: Invitae Variant Classification Sherloc (09022015). Collection method: clinical testing. Allele origin: germline.
Comment: This sequence change creates a premature translational stop signal (p.Tyr476Metfs*20) in the MSH3 gene. It is expected to result in an absent or disrupted protein product. Loss-of-function variants in MSH3 are known to be pathogenic (PMID: 27476653, 37402566). This variant is not present in population databases (gnomAD no frequency). This variant has not been reported in the literature in individuals affected with MSH3-related conditions. For these reasons, this variant has been classified as Pathogenic.

Literature cited by the submitters: PubMed 27476653; PubMed 37402566.